The following is an entry in ClinVar:

ClinVar aggregate classification (germline): Uncertain significance (1 of 4 stars; one submission).

Submission:

Labcorp Genetics (formerly Invitae), Labcorp
Classification: Uncertain significance. Last evaluated: 2022-09-07. Review status: criteria provided, single submitter. Criteria: Invitae Variant Classification Sherloc (09022015). Collection method: clinical testing. Allele origin: germline.
Comment: In summary, the available evidence is currently insufficient to determine the role of this variant in disease. Therefore, it has been classified as a Variant of Uncertain Significance. Algorithms developed to predict the effect of missense changes on protein structure and function (SIFT, PolyPhen-2, Align-GVGD) all suggest that this variant is likely to be disruptive. ClinVar contains an entry for this variant (Variation ID: 1476054). This variant has not been reported in the literature in individuals affected with SAR1B-related conditions. This variant is not present in population databases (gnomAD no frequency). This sequence change replaces threonine, which is neutral and polar, with isoleucine, which is neutral and non-polar, at codon 39 of the SAR1B protein (p.Thr39Ile).

NM_016103.4(SAR1B):c.116C>T (p.Thr39Ile)

Gene: SAR1B (secretion associated Ras related GTPase 1B; minus strand). Cytogenetic location: 5q31.1.
Variant type: single nucleotide variant.
Coding change: c.116C>T on transcript NM_016103.4 (MANE Select); coding-DNA position 116, C replaced by T.
Protein change: p.Thr39Ile; replaces threonine 39 with isoleucine.
Molecular consequence: missense variant.
Genome position (GRCh38, 1-based): chr5:134,620,995, G>A on the plus strand (C>T on the coding strand, the complement: SAR1B is on the minus strand). VCF-style: chr5-134620995-G-A. GRCh37 (hg19) VCF-style: chr5-133956685-G-A.
Other names: c.116C>T, p.Thr39Ile (NM_001033503.3); short protein forms T39I.
Identifiers: ClinVar variation 1476054 (VCV001476054.8), dbSNP rs1038905404, ClinGen allele CA127971411.